The following is an entry in ClinVar:

ClinVar aggregate classification (germline): Uncertain significance (1 of 4 stars; one submission).

Conditions:
Chromosome 2q32-q33 deletion syndrome (GLASS). Also called: Glass syndrome; 2q33.1 deletion syndrome. Identifiers: Orphanet 251019, MedGen C2676739, MONDO:0012864, OMIM 612313.

Submission:

Labcorp Genetics (formerly Invitae), Labcorp
Classification: Uncertain significance for Chromosome 2q32-q33 deletion syndrome. Last evaluated: 2020-03-06. Review status: criteria provided, single submitter. Criteria: Invitae Variant Classification Sherloc (09022015). Collection method: clinical testing. Allele origin: germline.
Comment: Algorithms developed to predict the effect of missense changes on protein structure and function (SIFT, PolyPhen-2, Align-GVGD) all suggest that this variant is likely to be tolerated, but these predictions have not been confirmed by published functional studies and their clinical significance is uncertain. In summary, the available evidence is currently insufficient to determine the role of this variant in disease. Therefore, it has been classified as a Variant of Uncertain Significance. This variant has not been reported in the literature in individuals with SATB2-related conditions. This sequence change replaces glutamine with glutamic acid at codon 115 of the SATB2 protein (p.Gln115Glu). The glutamine residue is moderately conserved and there is a small physicochemical difference between glutamine and glutamic acid. This variant is not present in population databases (ExAC no frequency).

NM_001172509.2(SATB2):c.343C>G (p.Gln115Glu)

Gene: SATB2 (SATB homeobox 2; minus strand). Cytogenetic location: 2q33.1.
Variant type: single nucleotide variant.
Coding change: c.343C>G on transcript NM_001172509.2 (MANE Select); coding-DNA position 343, C replaced by G.
Protein change: p.Gln115Glu; replaces glutamine 115 with glutamic acid.
Molecular consequence: missense variant. On other transcripts: non-coding transcript variant (1).
Genome position (GRCh38, 1-based): chr2:199,433,341, G>C on the plus strand (C>G on the coding strand, the complement: SATB2 is on the minus strand). VCF-style: chr2-199433341-G-C. GRCh37 (hg19) VCF-style: chr2-200298064-G-C.
Other names: c.343C>G, p.Gln115Glu (NM_001172517.1, NM_015265.4); short protein forms Q115E.
Identifiers: ClinVar variation 1058180 (VCV001058180.9), dbSNP rs1559052032, ClinGen allele CA350386617.